The following is an entry in ClinVar:

ClinVar aggregate classification (germline): Pathogenic. Review status: criteria provided, multiple submitters, no conflicts (2 of 4 stars). 4 submissions from 4 submitters: Pathogenic (4). Last evaluated 2026-02-26.

Conditions:
ANOS1-related disorder. Also called: ANOS1-related condition.
Hypogonadotropic hypogonadism. Also called: Low gonadotropins (secondary hypogonadism); Hypogonadotropic hypogonadism with or without anosmia; Hypogonadotrophic hypogonadism; Isolated hypogonadotropic hypogonadism. Identifiers: Orphanet 432, MedGen C0271623, MONDO:0018555, HP:0000044.
Hypogonadotropic hypogonadism 1 with or without anosmia (HH1). Also called: HYPOGONADOTROPIC HYPOGONADISM 1 WITH ANOSMIA; DYSPLASIA OLFACTOGENITALIS OF DE MORSIER; KAL1-Related GnRH Deficiency (Kallmann Syndrome 1; Kallmann Syndrome, X-Linked); Hypogonadotropic hypogonadism 1 with or without anosmia (Kallmann syndrome 1); HYPOGONADOTROPIC HYPOGONADISM AND ANOSMIA; Kallmann syndrome, type 1, X-linked. Identifiers: Orphanet 478, MedGen C1563719, MONDO:0010635, OMIM 308700. Disease mechanism: loss of function.

Allele frequency attached by ClinVar (database versions not stated): gnomAD exomes below 0.00001 and 0.00001; ExAC 0.00001.
gnomAD v4.1: 1 of 1,206,142 alleles (0.000083%); highest among the groups gnomAD compares: Admixed American, 0.0022%; no homozygotes.

Submissions (4):

NHS Central & South Genomic Laboratory Hub
Classification: Pathogenic for Hypogonadotropic hypogonadism. Last evaluated: 2026-02-26. Review status: criteria provided, single submitter. Criteria: ACMG Guidelines, 2015. Collection method: clinical testing. Allele origin: germline. Affected: yes.

Blueprint Genetics
Classification: Pathogenic for ANOS1-related disorders. Last evaluated: 2024-10-05. Review status: criteria provided, single submitter. Criteria: ACMG Guidelines, 2015. Collection method: clinical testing. Allele origin: germline. Affected: yes. Observed: 2 variant alleles.

Labcorp Genetics (formerly Invitae), Labcorp
Classification: Pathogenic for Hypogonadotropic hypogonadism 1 with or without anosmia. Last evaluated: 2022-12-31. Review status: criteria provided, single submitter. Criteria: Invitae Variant Classification Sherloc (09022015). Collection method: clinical testing. Allele origin: germline.
Comment: ClinVar contains an entry for this variant (Variation ID: 447606). This sequence change creates a premature translational stop signal (p.Arg424*) in the ANOS1 gene. It is expected to result in an absent or disrupted protein product. Loss-of-function variants in ANOS1 are known to be pathogenic (PMID: 8504298, 11297579). This variant is present in population databases (rs747010865, gnomAD 0.004%). This premature translational stop signal has been observed in individual(s) with Kallmann syndrome (PMID: 15001591, 26862482). For these reasons, this variant has been classified as Pathogenic.

Athena Diagnostics
Classification: Pathogenic. Last evaluated: 2016-04-28. Review status: criteria provided, single submitter. Criteria: Athena Diagnostics Criteria. Collection method: clinical testing. Allele origin: germline.

Literature cited by the submitters: PubMed 8504298 (cited by Labcorp Genetics (formerly Invitae), Labcorp); PubMed 11297579 (cited by Labcorp Genetics (formerly Invitae), Labcorp); PubMed 15001591 (cited by Labcorp Genetics (formerly Invitae), Labcorp and Athena Diagnostics); PubMed 26862482 (cited by Labcorp Genetics (formerly Invitae), Labcorp and Athena Diagnostics).

NM_000216.4(ANOS1):c.1270C>T (p.Arg424Ter)

Gene: ANOS1 (anosmin 1; minus strand). Cytogenetic location: Xp22.31.
Variant type: single nucleotide variant.
Coding change: c.1270C>T on transcript NM_000216.4 (MANE Select); coding-DNA position 1270, C replaced by T.
Protein change: p.Arg424Ter; replaces arginine 424 with a stop codon.
Molecular consequence: nonsense.
Genome position (GRCh38, 1-based): chrX:8,554,036, G>A on the plus strand (C>T on the coding strand, the complement: ANOS1 is on the minus strand). VCF-style: chrX-8554036-G-A. GRCh37 (hg19) VCF-style: chrX-8522077-G-A.
Other names: short protein forms R424*.
Identifiers: ClinVar variation 447606 (VCV000447606.6), dbSNP rs747010865, ClinGen allele CA10343650.